The following is an entry in ClinVar:

ClinVar aggregate classification (germline): Conflicting classifications of pathogenicity. Review status: criteria provided, conflicting classifications (1 of 4 stars). 2 submissions from 2 submitters: Uncertain significance (1); Likely benign (1). Last evaluated 2025-05-10.

Conditions:
Hereditary nonpolyposis colorectal neoplasms. Identifiers: MedGen C0009405, MeSH D003123.
Hereditary cancer-predisposing syndrome. Also called: Hereditary neoplastic syndrome; Tumor predisposition; Hereditary Cancer Syndrome; Neoplastic Syndromes, Hereditary. Identifiers: Orphanet 140162, MedGen C0027672, MeSH D009386, MONDO:0015356.

Allele frequency attached by ClinVar (database versions not stated): gnomAD exomes below 0.00001; ExAC 0.00001.
gnomAD v4.1: 2 of 1,613,504 alleles (0.00012%); highest among the groups gnomAD compares: Non-Finnish European, 0.00017%; no homozygotes.

Submissions (2):

Labcorp Genetics (formerly Invitae), Labcorp
Classification: Likely benign for Hereditary nonpolyposis colorectal neoplasms. Last evaluated: 2025-05-10. Review status: criteria provided, single submitter. Criteria: Invitae Variant Classification Sherloc (09022015). Collection method: clinical testing. Allele origin: germline.

Ambry Genetics
Classification: Uncertain significance for Hereditary cancer-predisposing syndrome. Last evaluated: 2023-12-29. Review status: criteria provided, single submitter. Criteria: Ambry Variant Classification Scheme 2023. Collection method: clinical testing. Allele origin: germline.
Comment: The p.E226D variant (also known as c.678G>C), located in coding exon 4 of the MSH6 gene, results from a G to C substitution at nucleotide position 678. The glutamic acid at codon 226 is replaced by aspartic acid, an amino acid with highly similar properties. This amino acid position is conserved. In addition, this alteration is predicted to be tolerated by in silico analysis. Since supporting evidence is limited at this time, the clinical significance of this alteration remains unclear.

NM_000179.3(MSH6):c.678G>C (p.Glu226Asp)

Gene: MSH6 (mutS homolog 6; plus strand). Cytogenetic location: 2p16.3.
Variant type: single nucleotide variant.
Coding change: c.678G>C on transcript NM_000179.3 (MANE Select); coding-DNA position 678, G replaced by C.
Protein change: p.Glu226Asp; replaces glutamic acid 226 with aspartic acid.
Molecular consequence: missense variant. On other transcripts: 5 prime UTR variant (2).
Genome position (GRCh38, 1-based): chr2:47,798,661, G>C. VCF-style: chr2-47798661-G-C. GRCh37 (hg19) VCF-style: chr2-48025800-G-C.
Other names: c.288G>C, p.Glu96Asp (NM_001281492.2); c.-229G>C (NM_001281493.2, NM_001281494.2, NM_001406811.1 and 6 more transcripts); c.774G>C, p.Glu258Asp (NM_001406795.1, NM_001406802.1); c.678G>C, p.Glu226Asp (NM_001406796.1, NM_001406798.1, NM_001406800.1 and 4 more transcripts); c.381G>C, p.Glu127Asp (NM_001406797.1, NM_001406801.1, NM_001406805.1 and 10 more transcripts); c.153G>C, p.Glu51Asp (NM_001406799.1, NM_001406806.1, NM_001406807.1); c.600G>C, p.Glu200Asp (NM_001406804.1); c.684G>C, p.Glu228Asp (NM_001406813.1); and 1 more; short protein forms E127D, E226D, E258D, E200D, E228D, E170D, E51D, E96D.
Identifiers: ClinVar variation 2126823 (VCV002126823.5), dbSNP rs778236337, ClinGen allele CA073338.